The following is an entry in ClinVar:

NM_000432.4(MYL2):c.83_93+1del

Genes: MYL2 (myosin light chain 2; minus strand), LOC114827850 (VISTA enhancer hs2149; plus strand). Cytogenetic location: 12q24.11.
Variant type: Deletion.
Coding change: c.83_93+1del on transcript NM_000432.4 (MANE Select); coding-DNA position 83 through the canonical splice donor site of the intron after coding-DNA position 93, 12 bases deleted (AATTTAAGGAGG).
Molecular consequence: splice donor variant.
Genome position (GRCh38, 1-based): chr12:110,919,103-110,919,114, CCTCCTTAAATT deleted on the plus strand (AATTTAAGGAGG on the coding strand, the reverse complement: MYL2 is on the minus strand); deleting any 12 consecutive bases within chr12:110,919,103-110,919,117 gives the same sequence; the c. name uses the placement nearest the transcript's 3' end. VCF-style (leftmost placement, unchanged base first): chr12-110919102-ACCTCCTTAAATT-A. GRCh37 (hg19) VCF-style: chr12-111356906-ACCTCCTTAAATT-A.
Other names: c.83_93+1del12 (NM_000432.3); c.26_36+1del (NM_001406916.1); c.83_93+1del (NM_001406745.1, NM_000432.3).
Identifiers: ClinVar variation 2447209 (VCV002447209.3), dbSNP rs1490618460, ClinGen allele CA607330668.

ClinVar aggregate classification (germline): Uncertain significance. Review status: criteria provided, multiple submitters, no conflicts (2 of 4 stars). 2 submissions from 2 submitters: Uncertain significance (2). Last evaluated 2026-03-27.

Conditions:
Cardiovascular phenotype. Identifiers: MedGen CN230736.

Submissions (2):

Molecular Diagnostic Laboratory for Inherited Cardiovascular Disease, Montreal Heart Institute
Classification: Uncertain significance for Cardiovascular phenotype. Last evaluated: 2026-03-27. Review status: criteria provided, single submitter. Criteria: ACMG Guidelines, 2015. Collection method: clinical testing. Allele origin: germline. Affected: yes.
Comment: PVS1_mod, PM2, PS4_supp

Ambry Genetics
Classification: Uncertain significance for Cardiovascular phenotype. Last evaluated: 2022-11-02. Review status: criteria provided, single submitter. Criteria: Ambry Variant Classification Scheme 2023. Collection method: clinical testing. Allele origin: germline.
Comment: The c.83_93+1del12 variant results from a deletion of 12 nucleotides between positions c.83 and c.93+1 and involves the canonical splice donor site after coding exon 2 of the MYL2 gene. Based on data from gnomAD, this allele has an overall frequency of 0.003% (1/31362) total alleles studied. The highest observed frequency was 0.01% (1/8702) of African/African American alleles. The canonical splice donor site is highly conserved in available vertebrate species. Alterations that disrupt the canonical splice site are expected to result in aberrant splicing. In silico splice site analysis predicts that this alteration will weaken the native splice donor site and will result in the creation or strengthening of a novel splice donor site. The resulting transcript is predicted to be in-frame and is not expected to trigger nonsense-mediated mRNA decay; however, direct evidence is unavailable. The exact functional effect of the altered amino acid sequence is unknown. Since supporting evidence is limited at this time, the clinical significance of this alteration remains unclear.

Literature cited by the submitters: PubMed 32242007 (cited by Ambry Genetics).